The following is an entry in ClinVar:

NM_022042.4(SLC26A1):c.1018C>G (p.Arg340Gly)

Genes: IDUA (alpha-L-iduronidase; plus strand), SLC26A1 (solute carrier family 26 member 1; minus strand). Cytogenetic location: 4p16.3.
Variant type: single nucleotide variant.
Coding change: c.1018C>G on transcript NM_022042.4 (MANE Select); coding-DNA position 1018, C replaced by G.
Protein change: p.Arg340Gly; replaces arginine 340 with glycine.
Molecular consequence: missense variant. On other transcripts: intron variant (2).
Genome position (GRCh38, 1-based): chr4:989,921, G>C on the plus strand (C>G on the coding strand, the complement: SLC26A1 is on the minus strand). VCF-style: chr4-989921-G-C. GRCh37 (hg19) VCF-style: chr4-983709-G-C.
Other names: c.1018C>G, p.Arg340Gly (NM_213613.4); c.576+1207C>G (NM_134425.4); c.299+1972G>C (NM_000203.5); short protein forms R340G.
Identifiers: ClinVar variation 2845876 (VCV002845876.3), dbSNP rs569131932, ClinGen allele CA355953763.

ClinVar aggregate classification (germline): Uncertain significance (1 of 4 stars; one submission).

Submission:

Labcorp Genetics (formerly Invitae), Labcorp
Classification: Uncertain significance. Last evaluated: 2023-03-14. Review status: criteria provided, single submitter. Criteria: Invitae Variant Classification Sherloc (09022015). Collection method: clinical testing. Allele origin: germline.
Comment: In summary, the available evidence is currently insufficient to determine the role of this variant in disease. Therefore, it has been classified as a Variant of Uncertain Significance. Advanced modeling of protein sequence and biophysical properties (such as structural, functional, and spatial information, amino acid conservation, physicochemical variation, residue mobility, and thermodynamic stability) performed at Invitae indicates that this missense variant is not expected to disrupt SLC26A1 protein function. This variant has not been reported in the literature in individuals affected with SLC26A1-related conditions. This variant is not present in population databases (gnomAD no frequency). This sequence change replaces arginine, which is basic and polar, with glycine, which is neutral and non-polar, at codon 340 of the SLC26A1 protein (p.Arg340Gly).